The following is an entry in ClinVar:

ClinVar aggregate classification (germline): Uncertain significance (1 of 4 stars; one submission).

Submission:

GeneDx
Classification: Uncertain significance. Last evaluated: 2022-01-26. Review status: criteria provided, single submitter. Criteria: GeneDx Variant Classification Process June 2021. Collection method: clinical testing. Allele origin: germline. Affected: yes.
Comment: Not observed at significant frequency in large population cohorts (gnomAD); In silico analysis supports that this missense variant has a deleterious effect on protein structure/function; Has not been previously published as pathogenic or benign to our knowledge

NM_001360016.2(G6PD):c.194C>A (p.Thr65Asn)

Gene: G6PD (glucose-6-phosphate dehydrogenase; minus strand). Cytogenetic location: Xq28.
Variant type: single nucleotide variant.
Coding change: c.194C>A on transcript NM_001360016.2 (MANE Select); coding-DNA position 194, C replaced by A.
Protein change: p.Thr65Asn; replaces threonine 65 with asparagine.
Molecular consequence: missense variant.
Genome position (GRCh38, 1-based): chrX:154,536,010, G>T on the plus strand (C>A on the coding strand, the complement: G6PD is on the minus strand). VCF-style: chrX-154536010-G-T. GRCh37 (hg19) VCF-style: chrX-153764225-G-T.
Other names: c.284C>A, p.Thr95Asn (NM_000402.4); c.194C>A, p.Thr65Asn (NM_001042351.3); short protein forms T65N, T95N.
Identifiers: ClinVar variation 1700388 (VCV001700388.2), dbSNP rs2148331926, ClinGen allele CA415239864.
Genomic context (GRCh38, chrX:154,536,010, plus strand): 5'-TCACTCTGTTTGCGGATGTCAGCCACTGTGAGGCGGGAACGGGCATAGCCCACGATGAAG[G>T]TGTTTTCGGGCAGAAGGCCATCCCGGAACAGCCACCTGAGGGCAGGGCACAGCTGTAACC-3'
Protein context (NP_001346945.1, residues 55-75): LFRDGLLPEN[Thr65Asn]FIVGYARSRL